The following is an entry in ClinVar:

NM_022095.4(ZNF335):c.855A>G (p.Leu285=)

Gene: ZNF335 (zinc finger protein 335; minus strand). Cytogenetic location: 20q13.12.
Variant type: single nucleotide variant.
Coding change: c.855A>G on transcript NM_022095.4 (MANE Select); coding-DNA position 855, A replaced by G.
Protein change: p.Leu285=; no amino-acid change (leucine 285 retained).
Molecular consequence: synonymous variant.
Genome position (GRCh38, 1-based): chr20:45,967,594, T>C on the plus strand (A>G on the coding strand, the complement: ZNF335 is on the minus strand). VCF-style: chr20-45967594-T-C. GRCh37 (hg19) VCF-style: chr20-44596233-T-C.
Identifiers: ClinVar variation 1947255 (VCV001947255.6), dbSNP rs765246410, ClinGen allele CA9885941.

ClinVar aggregate classification (germline): Likely benign. Review status: criteria provided, multiple submitters, no conflicts (2 of 4 stars). 2 submissions from 2 submitters: Likely benign (2). Last evaluated 2026-10-01.

Allele frequency attached by ClinVar (database versions not stated): gnomAD 0.00001; gnomAD exomes 0.00001; ExAC 0.00002; TOPMed 0.00002.
gnomAD v4.1: 12 of 1,613,914 alleles (0.00074%); highest among the groups gnomAD compares: Admixed American, 0.01%; no homozygotes.

Submissions (2):

CeGaT Center for Human Genetics Tuebingen
Classification: Likely benign. Last evaluated: 2026-10-01. Review status: criteria provided, single submitter. Criteria: CeGaT Center For Human Genetics Tuebingen Variant Classification Criteria Version 2. Collection method: clinical testing. Allele origin: germline. Affected: yes. Observed: 2 variant alleles.
Comment: ZNF335: BP4, BP7

Labcorp Genetics (formerly Invitae), Labcorp
Classification: Likely benign. Last evaluated: 2024-08-31. Review status: criteria provided, single submitter. Criteria: Invitae Variant Classification Sherloc (09022015). Collection method: clinical testing. Allele origin: germline.